The following is an entry in ClinVar:

ClinVar aggregate classification (germline): Uncertain significance. Review status: criteria provided, multiple submitters, no conflicts (2 of 4 stars). 2 submissions from 2 submitters: Uncertain significance (2). Last evaluated 2025-12-17.

Conditions:
Myofibrillar myopathy 5. Also called: Filaminopathy (type); FILAMINOPATHY, AUTOSOMAL DOMINANT. Identifiers: Orphanet 171445, MedGen C1836050, MONDO:0012289, OMIM 609524.
Hypertrophic cardiomyopathy 26. Also called: Cardiomyopathy, familial hypertrophic, 26. Identifiers: Orphanet 75249, MedGen C4310749, MONDO:0014883, OMIM 617047.
Distal myopathy with posterior leg and anterior hand involvement. Also called: WILLIAMS DISTAL MYOPATHY. Identifiers: Orphanet 63273, MedGen C3279722, MONDO:0013550, OMIM 614065.

Submissions (2):

Victorian Clinical Genetics Services, Murdoch Childrens Research Institute
Classification: Uncertain significance for Hypertrophic cardiomyopathy 26. Last evaluated: 2025-12-17. Review status: criteria provided, single submitter. Criteria: ACMG Guidelines, 2015. Collection method: clinical testing. Allele origin: germline. Affected: yes.
Comment: This variant is classified as VUS-3B. Evidence in support of pathogenic classification: Variant is absent from gnomAD (v2, v3 and v4). Additional information: Variant is predicted to result in a missense amino acid change from Pro to Ser; This variant is heterozygous; This gene is associated with autosomal dominant disease. Variants located throughout the gene that are predicted to result in nonsense-mediated decay (NMD) are enriched in dilated cardiomyopathy, whereas missense variants in the ROD2 domain are enriched in familial hypertrophic cardiomyopathy 26 and familial restrictive cardiomyopathy 5 (MIM#617047). Additionally, myofibrillar myopathy 5 (MIM#609524) is known to result from either missense variants in the ROD2 domain or truncating variants in the Ig-like domain 24, while missense variants in the actin-binding domain and NMD-predicted variants located in the Ig-like domain 15 and have been reported for distal myopathy 4 (MIM#614065) (PMID: 32112656); Previous evidence of pathogenicity for this variant is inconclusive. This variant has been classified as a VUS by a clinical laboratory in ClinVar; No published evidence of segregation with disease has been identified for this variant; No published functional evidence has been identified for this variant; No comparable missense variants have previous evidence for pathogenicity; Variant is not located in an established domain, motif, hotspot or informative constraint region; Missense variant with inconclusive in silico prediction and/or uninformative conservation; Loss of function and gain of function are known mechanisms of disease in this gene. Loss of function is the established mechanism of disease for variants in dilated cardiomyopathy (PMID: 32112656), familial hypertrophic cardiomyopathy 26 (MIM#617047), familial restrictive cardiomyopathy 5 (MIM#617047), familial arrhythmogenic right ventricular dysplasia (MIM#617047), and myofibrillar myopathy 5 (MIM#609524). In distal myopathy 4 (MIM#614065), NMD-predicted variants cause a loss of function, however missense variants have been shown to result in a toxic gain of function (PMID: 32112656). - Inheritance information for this variant is not currently available in this individual.

Labcorp Genetics (formerly Invitae), Labcorp
Classification: Uncertain significance for Distal myopathy with posterior leg and anterior hand involvement; Myofibrillar myopathy 5; Hypertrophic cardiomyopathy 26. Last evaluated: 2023-08-02. Review status: criteria provided, single submitter. Criteria: Invitae Variant Classification Sherloc (09022015). Collection method: clinical testing. Allele origin: germline.
Comment: This sequence change replaces proline, which is neutral and non-polar, with serine, which is neutral and polar, at codon 1151 of the FLNC protein (p.Pro1151Ser). This variant is not present in population databases (gnomAD no frequency). In summary, the available evidence is currently insufficient to determine the role of this variant in disease. Therefore, it has been classified as a Variant of Uncertain Significance. Advanced modeling of protein sequence and biophysical properties (such as structural, functional, and spatial information, amino acid conservation, physicochemical variation, residue mobility, and thermodynamic stability) has been performed at Invitae for this missense variant, however the output from this modeling did not meet the statistical confidence thresholds required to predict the impact of this variant on FLNC protein function. This variant has not been reported in the literature in individuals affected with FLNC-related conditions.

Literature cited by the submitters: PubMed 32112656 (cited by Victorian Clinical Genetics Services, Murdoch Childrens Research Institute).

NM_001458.5(FLNC):c.3451C>T (p.Pro1151Ser)

Gene: FLNC (filamin C; plus strand). Cytogenetic location: 7q32.1.
Variant type: single nucleotide variant.
Coding change: c.3451C>T on transcript NM_001458.5 (MANE Select); coding-DNA position 3451, C replaced by T.
Protein change: p.Pro1151Ser; replaces proline 1151 with serine.
Molecular consequence: missense variant.
Genome position (GRCh38, 1-based): chr7:128,844,916, C>T. VCF-style: chr7-128844916-C-T. GRCh37 (hg19) VCF-style: chr7-128484970-C-T.
Other names: c.3451C>T, p.Pro1151Ser (NM_001127487.2); short protein forms P1151S.
Identifiers: ClinVar variation 2923999 (VCV002923999.4), dbSNP rs2536637709, ClinGen allele CA369196944.
Genomic context (GRCh38, chr7:128,844,916, plus strand): 5'-ATCAACATCCTGTTTGCTGAGGCCCACATCCCTGGCTCGCCCTTCAAAGCCACCATTCGG[C>T]CTGTGTTTGACCCGAGCAAGGTGCGGGCCAGTGGACCGGGCCTGGAGCGCGGCAAGGTCG-3'
Protein context (NP_001449.3, residues 1141-1161): PGSPFKATIR[Pro1151Ser]VFDPSKVRAS